The following is an entry in ClinVar:

NM_001312909.2(FAM111A):c.1597G>A (p.Asp533Asn)

Gene: FAM111A (FAM111 trypsin like peptidase A; plus strand). Cytogenetic location: 11q12.1.
Variant type: single nucleotide variant.
Coding change: c.1597G>A on transcript NM_001312909.2 (MANE Select); coding-DNA position 1597, G replaced by A.
Protein change: p.Asp533Asn; replaces aspartic acid 533 with asparagine.
Molecular consequence: missense variant.
Genome position (GRCh38, 1-based): chr11:59,153,265, G>A. VCF-style: chr11-59153265-G-A. GRCh37 (hg19) VCF-style: chr11-58920738-G-A.
Other names: c.1597G>A, p.Asp533Asn (NM_001142519.3, NM_001142520.3, NM_001142521.3 and 29 more transcripts); short protein forms D533N.
Identifiers: ClinVar variation 2483852 (VCV002483852.3), dbSNP rs1555019403, ClinGen allele CA380788686.

ClinVar aggregate classification (germline): Uncertain significance. Review status: criteria provided, multiple submitters, no conflicts (2 of 4 stars). 2 submissions from 2 submitters: Uncertain significance (2). Last evaluated 2025-05-01.

Conditions:
Inborn genetic diseases. Identifiers: MedGen C0950123, MeSH D030342.

Allele frequency attached by ClinVar (database versions not stated): TOPMed below 0.00001; gnomAD 0.00001.

Submissions (2):

GeneDx
Classification: Uncertain significance. Last evaluated: 2025-05-01. Review status: criteria provided, single submitter. Criteria: GeneDx Variant Classification Process June 2021. Collection method: clinical testing. Allele origin: germline. Affected: yes.
Comment: Not observed at significant frequency in large population cohorts (gnomAD); In silico analysis supports that this missense variant has a deleterious effect on protein structure/function; Has not been previously published as pathogenic or benign to our knowledge

Ambry Genetics
Classification: Uncertain significance for Inborn genetic diseases. Last evaluated: 2023-02-14. Review status: criteria provided, single submitter. Criteria: Ambry Variant Classification Scheme 2023. Collection method: clinical testing. Allele origin: germline.